The following is an entry in ClinVar:

NM_025114.4(CEP290):c.4390A>T (p.Ile1464Phe)

Gene: CEP290 (centrosomal protein 290; minus strand). Cytogenetic location: 12q21.32.
Variant type: single nucleotide variant.
Coding change: c.4390A>T on transcript NM_025114.4 (MANE Select); coding-DNA position 4390, A replaced by T.
Protein change: p.Ile1464Phe; replaces isoleucine 1464 with phenylalanine.
Molecular consequence: missense variant.
Genome position (GRCh38, 1-based): chr12:88,086,086, T>A on the plus strand (A>T on the coding strand, the complement: CEP290 is on the minus strand). VCF-style: chr12-88086086-T-A. GRCh37 (hg19) VCF-style: chr12-88479863-T-A.
Other names: short protein forms I1464F.
Identifiers: ClinVar variation 3234717 (VCV003234717.20), dbSNP rs2500009154, ClinGen allele CA385996287.

ClinVar aggregate classification (germline): Uncertain significance (1 of 4 stars; one submission).

Allele frequency attached by ClinVar (database versions not stated): gnomAD exomes below 0.00001.
gnomAD v4.1: 1 of 1,613,194 alleles (0.000062%); highest among the groups gnomAD compares: Non-Finnish European, 0.000085%; no homozygotes.

Submission:

CeGaT Center for Human Genetics Tuebingen
Classification: Uncertain significance. Last evaluated: 2024-04-01. Review status: criteria provided, single submitter. Criteria: CeGaT Center For Human Genetics Tuebingen Variant Classification Criteria Version 2. Collection method: clinical testing. Allele origin: germline. Affected: yes. Observed: 1 variant allele.
Comment: CEP290: PM2, BP4